The following is an entry in ClinVar:

NM_002032.3(FTH1):c.-2C>T

Genes: FTH1 (ferritin heavy chain 1; minus strand), LOC399900 (uncharacterized LOC399900; plus strand). Cytogenetic location: 11q12.3.
Variant type: single nucleotide variant.
Coding change: c.-2C>T on transcript NM_002032.3 (MANE Select); 2 bases upstream of the start codon, C replaced by T.
Molecular consequence: 5 prime UTR variant.
Genome position (GRCh38, 1-based): chr11:61,967,427, G>A on the plus strand (C>T on the coding strand, the complement: FTH1 is on the minus strand). VCF-style: chr11-61967427-G-A. GRCh37 (hg19) VCF-style: chr11-61734899-G-A.
Identifiers: ClinVar variation 305146 (VCV000305146.9), dbSNP rs751983239, ClinGen allele CA6041349.

ClinVar aggregate classification (germline): Uncertain significance. Review status: criteria provided, single submitter (1 of 4 stars). 2 submissions from 2 submitters: Uncertain significance (1). 1 of the submissions does not count toward it. Last evaluated 2018-01-13.

Conditions:
Hemochromatosis type 5. Also called: Iron overload, autosomal dominant. Identifiers: Orphanet 247790, MedGen C1851316, MONDO:0014225, OMIM 615517.
FTH1-related disorder. Also called: FTH1-related condition.

Allele frequency attached by ClinVar (database versions not stated): ExAC 0.00006; gnomAD 0.00007; gnomAD exomes 0.00008 and 0.00015; TOPMed 0.00010.
gnomAD v4.1: 222 of 1,595,162 alleles (0.014%); highest among the groups gnomAD compares: Non-Finnish European, 0.017%; no homozygotes.

Submissions (2):

Illumina Laboratory Services, Illumina
Classification: Uncertain significance for Hemochromatosis type 5. Last evaluated: 2018-01-13. Review status: criteria provided, single submitter. Criteria: ICSL Variant Classification Criteria 13 December 2019. Collection method: clinical testing. Allele origin: germline.

PreventionGenetics, part of Exact Sciences
Classification: Likely benign for FTH1-related condition. Last evaluated: 2019-03-12. Review status: no assertion criteria provided. Collection method: clinical testing. Allele origin: germline. Not counted in ClinVar's aggregate classification.
Comment: This variant is classified as likely benign based on ACMG/AMP sequence variant interpretation guidelines (Richards et al. 2015 PMID: 25741868, with internal and published modifications).